The following is an entry in ClinVar:

NM_001035.3(RYR2):c.5833A>G (p.Asn1945Asp)

Gene: RYR2 (ryanodine receptor 2; plus strand). Cytogenetic location: 1q43.
Variant type: single nucleotide variant.
Coding change: c.5833A>G on transcript NM_001035.3 (MANE Select); coding-DNA position 5833, A replaced by G.
Protein change: p.Asn1945Asp; replaces asparagine 1945 with aspartic acid.
Molecular consequence: missense variant.
Genome position (GRCh38, 1-based): chr1:237,617,403, A>G. VCF-style: chr1-237617403-A-G. GRCh37 (hg19) VCF-style: chr1-237780703-A-G.
Other names: short protein forms N1945D.
Identifiers: ClinVar variation 3385745 (VCV003385745.1).

ClinVar aggregate classification (germline): Uncertain significance (1 of 4 stars; one submission).

Conditions:
Catecholaminergic polymorphic ventricular tachycardia (CVPT). Also called: Catecholamine-induced polymorphic ventricular tachycardia. Identifiers: Orphanet 3286, MedGen C5574922, MONDO:0017990.

gnomAD v4.1: 1 of 1,613,900 alleles (0.000062%); highest among the groups gnomAD compares: Non-Finnish European, 0.000085%; no homozygotes.

Submission:

All of Us Research Program, National Institutes of Health
Classification: Uncertain significance for Catecholaminergic polymorphic ventricular tachycardia. Last evaluated: 2024-03-24. Review status: criteria provided, single submitter. Criteria: ACMG Guidelines, 2015. Collection method: clinical testing. Allele origin: germline. Inheritance: Autosomal dominant inheritance. Observed: 1 variant allele, 1 heterozygote.
Comment: This missense variant replaces asparagine with aspartic acid at codon 1945 of the RYR2 protein. Computational prediction suggests that this variant may not impact protein structure and function (internally defined REVEL score threshold <= 0.5, PMID: 27666373). To our knowledge, functional studies have not been reported for this variant. This variant has not been reported in individuals affected with RYR2-related disorders in the literature. This variant has not been identified in the general population by the Genome Aggregation Database (gnomAD). The available evidence is insufficient to determine the role of this variant in disease conclusively. Therefore, this variant is classified as a Variant of Uncertain Significance.

This study involves interpretation of variants in research participants for the purpose of population health screening. Participant phenotype was not available at the time of variant classification. Additional details can be found in publication PMID: 35346344, PMCID: PMC8962531